The following is an entry in ClinVar:

ClinVar aggregate classification (germline): Pathogenic (1 of 4 stars; one submission).

Conditions:
Osteogenesis imperfecta type I (OI1). Also called: Lobstein's Disease; Classic Non-deforming Osteogenesis Imperfecta with Blue Sclerae; Lobstein disease; OI, TYPE I; OSTEOGENESIS IMPERFECTA TARDA; OSTEOGENESIS IMPERFECTA WITH BLUE SCLERAE. Identifiers: Orphanet 216796, Orphanet 666, MedGen C0023931, MONDO:0008146, OMIM 166200. Disease mechanism: loss of function.
Ehlers-Danlos syndrome, classic type, 1 (EDSCL1). Also called: Ehlers-Danlos syndrome, type 1; Ehlers-Danlos Syndrome, Classic Type, COL5A1-Related; EDS I; EHLERS-DANLOS SYNDROME, GRAVIS TYPE; EHLERS-DANLOS SYNDROME, SEVERE CLASSIC TYPE. Identifiers: MedGen C0268335, MONDO:0019567, OMIM 130000.

Submission:

Labcorp Genetics (formerly Invitae), Labcorp
Classification: Pathogenic for Osteogenesis imperfecta type I; Ehlers-Danlos syndrome, classic type, 1. Last evaluated: 2025-02-20. Review status: criteria provided, single submitter. Criteria: Invitae Variant Classification Sherloc (09022015). Collection method: clinical testing. Allele origin: germline.
Comment: This sequence change replaces glycine, which is neutral and non-polar, with serine, which is neutral and polar, at codon 730 of the COL1A2 protein (p.Gly730Ser). This variant is not present in population databases (gnomAD no frequency). This missense change has been observed in individual(s) with autosomal dominant osteogenesis imperfecta (internal data). ClinVar contains an entry for this variant (Variation ID: 851896). Experimental studies and prediction algorithms are not available or were not evaluated, and the functional significance of this variant is currently unknown. This variant disrupts the triple helix domain of COL1A2. Glycine residues within the Gly-Xaa-Yaa repeats of the triple helix domain are required for the structure and stability of fibrillar collagens (PMID: 7695699, 8218237, 19344236). In COL1A2, variants affecting these glycine residues are significantly enriched in individuals with disease (PMID: 9016532, 17078022) compared to the general population (ExAC). This variant disrupts the p.Gly730 amino acid residue in COL1A2. Other variant(s) that disrupt this residue have been observed in individuals with COL1A2-related conditions (PMID: 7891382, 26177859), which suggests that this may be a clinically significant amino acid residue. For these reasons, this variant has been classified as Pathogenic.

Literature cited by the submitters: PubMed 7695699; PubMed 8218237; PubMed 19344236; PubMed 9016532; PubMed 17078022; PubMed 7891382; PubMed 26177859.

NM_000089.4(COL1A2):c.2188G>A (p.Gly730Ser)

Gene: COL1A2 (collagen type I alpha 2 chain; plus strand). Cytogenetic location: 7q21.3.
Variant type: single nucleotide variant.
Coding change: c.2188G>A on transcript NM_000089.4 (MANE Select); coding-DNA position 2188, G replaced by A.
Protein change: p.Gly730Ser; replaces glycine 730 with serine.
Molecular consequence: missense variant.
Genome position (GRCh38, 1-based): chr7:94,420,541, G>A. VCF-style: chr7-94420541-G-A. GRCh37 (hg19) VCF-style: chr7-94049853-G-A.
Other names: short protein forms G730S.
Identifiers: ClinVar variation 851896 (VCV000851896.49), dbSNP rs72658171, ClinGen allele CA368223433.
Genomic context (GRCh38, chr7:94,420,541, plus strand): 5'-CCTAAGTTGGGGAGTAGAGTGGGTCGGAATACCAGAGCTGTAACTGTTTATTTCCAACAG[G>A]GTGCTGCTGGTCAACCTGGTGCTAAAGGAGAAAGAGGAGCCAAAGGGCCTAAGGGTGAAA-3'
Protein context (NP_000080.2, residues 720-740): AGPNGFAGPA[Gly730Ser]AAGQPGAKGE